The following is an entry in ClinVar:

NM_000540.3(RYR1):c.1690T>C (p.Tyr564His)

Gene: RYR1 (ryanodine receptor 1; plus strand). Cytogenetic location: 19q13.2.
Variant type: single nucleotide variant.
Coding change: c.1690T>C on transcript NM_000540.3 (MANE Select); coding-DNA position 1690, T replaced by C.
Protein change: p.Tyr564His; replaces tyrosine 564 with histidine.
Molecular consequence: missense variant.
Genome position (GRCh38, 1-based): chr19:38,455,650, T>C. VCF-style: chr19-38455650-T-C. GRCh37 (hg19) VCF-style: chr19-38946290-T-C.
Other names: c.1690T>C, p.Tyr564His (NM_001042723.2); short protein forms Y564H.
Identifiers: ClinVar variation 841741 (VCV000841741.9), dbSNP rs767862786, ClinGen allele CA062346.
Genomic context (GRCh38, chr19:38,455,650, plus strand): 5'-ATGGGCATGGCCGCTTCACCTCTCATTCTGGGCACCCTGGCAGGCATCCTGGAGGTCCTG[T>C]ACTGTGTCCTCATTGAGAGTCCAGAGGTTCTGAACATCATCCAGGAGAATCACATCAAGT-3'
Protein context (NP_000531.2, residues 554-574): EASSGILEVL[Tyr564His]CVLIESPEVL

ClinVar aggregate classification (germline): Uncertain significance. Review status: criteria provided, multiple submitters, no conflicts (2 of 4 stars). 3 submissions from 3 submitters: Uncertain significance (3). Last evaluated 2025-04-11.

Conditions:
RYR1-related disorder. Also called: RYR1-related disorders; RYR1-related condition. Identifiers: MedGen CN239331.
Malignant hyperthermia, susceptibility to, 1 (MHS1). Also called: Anesthesia related hyperthermia; Malignant hyperpyrexia; Fulminating hyperpyrexia; Pharmacogenic myopathy; Malignant hyperthermia suceptibility 1; RYR1-Related Malignant Hyperthermia Susceptibility. Identifiers: Orphanet 423, MedGen C2930980, MONDO:0007783, OMIM 145600.

Allele frequency attached by ClinVar (database versions not stated): ExAC 0.00001; gnomAD exomes 0.00001; TOPMed 0.00002.
gnomAD v4.1: 23 of 1,613,662 alleles (0.0014%); highest among the groups gnomAD compares: Admixed American, 0.0033%; no homozygotes.

Submissions (3):

Women's Health and Genetics/Laboratory Corporation of America, LabCorp
Classification: Uncertain significance. Last evaluated: 2025-04-11. Review status: criteria provided, single submitter. Criteria: LabCorp Variant Classification Summary - May 2015. Collection method: clinical testing. Allele origin: germline.
Comment: Variant summary: RYR1 c.1690T>C (p.Tyr564His) results in a conservative amino acid change in the encoded protein sequence. Three of five in-silico tools predict a benign effect of the variant on protein function. The variant allele was found at a frequency of 1.2e-05 in 251470 control chromosomes. The available data on variant occurrences in the general population are insufficient to allow any conclusion about variant significance. c.1690T>C has been observed in individuals affected with core myopathy and muscle weakness (e.g., Dosi_2023, Fusto_2022). These reports do not provide unequivocal conclusions about association of the variant with Congenital Multicore Myopathy With External Ophthalmoplegia. To our knowledge, no experimental evidence demonstrating an impact on protein function has been reported. The following publications have been ascertained in the context of this evaluation (PMID: 36833224, 35428369). ClinVar contains an entry for this variant (Variation ID: 841741). Based on the evidence outlined above, the variant was classified as uncertain significance.

All of Us Research Program, National Institutes of Health
Classification: Uncertain significance for Malignant hyperthermia, susceptibility to, 1. Last evaluated: 2023-04-27. Review status: criteria provided, single submitter. Criteria: ACMG Guidelines, 2015. Collection method: clinical testing. Allele origin: germline. Inheritance: Autosomal dominant inheritance. Observed: 1 variant allele, 1 heterozygote.
Comment: This study involves interpretation of variants in research participants for the purpose of population health screening. Participant phenotype was not available at the time of variant classification. Additional details can be found in publication PMID: 35346344, PMCID: PMC8962531

Labcorp Genetics (formerly Invitae), Labcorp
Classification: Uncertain significance for RYR1-related disorder. Last evaluated: 2022-08-15. Review status: criteria provided, single submitter. Criteria: Invitae Variant Classification Sherloc (09022015). Collection method: clinical testing. Allele origin: germline.
Comment: This sequence change replaces tyrosine, which is neutral and polar, with histidine, which is basic and polar, at codon 564 of the RYR1 protein (p.Tyr564His). This variant is present in population databases (rs767862786, gnomAD 0.006%). This variant has not been reported in the literature in individuals affected with RYR1-related conditions. ClinVar contains an entry for this variant (Variation ID: 841741). Advanced modeling of protein sequence and biophysical properties (such as structural, functional, and spatial information, amino acid conservation, physicochemical variation, residue mobility, and thermodynamic stability) performed at Invitae indicates that this missense variant is not expected to disrupt RYR1 protein function. In summary, the available evidence is currently insufficient to determine the role of this variant in disease. Therefore, it has been classified as a Variant of Uncertain Significance.

Literature cited by the submitters: PubMed 35428369 (cited by Women's Health and Genetics/Laboratory Corporation of America, LabCorp); PubMed 36833224 (cited by Women's Health and Genetics/Laboratory Corporation of America, LabCorp).